The following is an entry in ClinVar:

NM_024675.4(PALB2):c.1791G>A (p.Met597Ile)

Gene: PALB2 (partner and localizer of BRCA2; minus strand). Cytogenetic location: 16p12.2.
Variant type: single nucleotide variant.
Coding change: c.1791G>A on transcript NM_024675.4 (MANE Select); coding-DNA position 1791, G replaced by A.
Protein change: p.Met597Ile; replaces methionine 597 with isoleucine.
Molecular consequence: missense variant.
Genome position (GRCh38, 1-based): chr16:23,630,363, C>T on the plus strand (G>A on the coding strand, the complement: PALB2 is on the minus strand). VCF-style: chr16-23630363-C-T. GRCh37 (hg19) VCF-style: chr16-23641684-C-T.
Other names: short protein forms M597I.
Identifiers: ClinVar variation 629775 (VCV000629775.5), dbSNP rs1567218807, ClinGen allele CA395128094.

ClinVar aggregate classification (germline): Uncertain significance. Review status: criteria provided, multiple submitters, no conflicts (2 of 4 stars). 2 submissions from 2 submitters: Uncertain significance (2). Last evaluated 2025-03-11.

Conditions:
Familial cancer of breast. Also called: BREAST CANCER, FAMILIAL; Hereditary breast cancer; hereditary breast carcinoma. Identifiers: Orphanet 227535, MedGen C0346153, MONDO:0016419, OMIM 114480. Disease mechanism: loss of function.
Hereditary cancer-predisposing syndrome. Also called: Neoplastic Syndromes, Hereditary; Tumor predisposition; Hereditary neoplastic syndrome; Hereditary Cancer Syndrome. Identifiers: Orphanet 140162, MedGen C0027672, MeSH D009386, MONDO:0015356.

Submissions (2):

Labcorp Genetics (formerly Invitae), Labcorp
Classification: Uncertain significance for Familial cancer of breast. Last evaluated: 2025-03-11. Review status: criteria provided, single submitter. Criteria: Invitae Variant Classification Sherloc (09022015). Collection method: clinical testing. Allele origin: germline.
Comment: This sequence change replaces methionine, which is neutral and non-polar, with isoleucine, which is neutral and non-polar, at codon 597 of the PALB2 protein (p.Met597Ile). This variant is not present in population databases (gnomAD no frequency). This variant has not been reported in the literature in individuals affected with PALB2-related conditions. ClinVar contains an entry for this variant (Variation ID: 629775). Invitae Evidence Modeling of protein sequence and biophysical properties (such as structural, functional, and spatial information, amino acid conservation, physicochemical variation, residue mobility, and thermodynamic stability) indicates that this missense variant is not expected to disrupt PALB2 protein function with a negative predictive value of 80%. In summary, the available evidence is currently insufficient to determine the role of this variant in disease. Therefore, it has been classified as a Variant of Uncertain Significance.

Color Diagnostics, LLC DBA Color Health
Classification: Uncertain significance for Hereditary cancer-predisposing syndrome. Last evaluated: 2023-12-04. Review status: criteria provided, single submitter. Criteria: ACMG Guidelines, 2015. Collection method: clinical testing. Allele origin: germline.
Comment: This missense variant replaces methionine with isoleucine at codon 597 of the PALB2 protein. Computational prediction suggests that this variant may not impact protein structure and function (internally defined REVEL score threshold <= 0.5, PMID: 27666373). To our knowledge, functional studies have not been reported for this variant. This variant has not been reported in individuals affected with PALB2-related disorders in the literature. This variant has not been identified in the general population by the Genome Aggregation Database (gnomAD). The available evidence is insufficient to determine the role of this variant in disease conclusively. Therefore, this variant is classified as a Variant of Uncertain Significance.